The following is an entry in ClinVar:

ClinVar aggregate classification (germline): Conflicting classifications of pathogenicity. Review status: criteria provided, conflicting classifications (1 of 4 stars). 2 submissions from 2 submitters: Uncertain significance (1); Benign (1). Last evaluated 2023-05-08.

Conditions:
Spinocerebellar ataxia, autosomal recessive, with axonal neuropathy 2 (SCAN2). Also called: ATAXIA-OCULOMOTOR APRAXIA 2; Ataxia with Oculomotor Apraxia Type 2; Ataxia-ocular apraxia-2; Ataxia with Oculomotor Apraxia. Identifiers: Orphanet 64753, MedGen C1853761, MONDO:0018996, OMIM 606002.
Amyotrophic lateral sclerosis type 4 (ALS4). Also called: NEURONOPATHY, DISTAL HEREDITARY MOTOR, WITH PYRAMIDAL FEATURES; AMYOTROPHIC LATERAL SCLEROSIS 4, JUVENILE. Identifiers: Orphanet 357043, MedGen C1865409, MONDO:0011223, OMIM 602433.

Allele frequency attached by ClinVar (database versions not stated): TOPMed below 0.00001; gnomAD 0.00001; ExAC 0.00002; gnomAD exomes 0.00002.
gnomAD v4.1: 24 of 1,613,406 alleles (0.0015%); highest among the groups gnomAD compares: South Asian, 0.016%; 1 homozygote.

Submissions (2):

Labcorp Genetics (formerly Invitae), Labcorp
Classification: Benign for Amyotrophic lateral sclerosis type 4; Spinocerebellar ataxia, autosomal recessive, with axonal neuropathy 2. Last evaluated: 2023-05-08. Review status: criteria provided, single submitter. Criteria: Invitae Variant Classification Sherloc (09022015). Collection method: clinical testing. Allele origin: germline.

Neuberg Centre For Genomic Medicine, NCGM
Classification: Uncertain significance for Amyotrophic lateral sclerosis type 4. Review status: criteria provided, single submitter. Criteria: ACMG Guidelines, 2015. Collection method: clinical testing. Allele origin: germline. Inheritance: Autosomal dominant inheritance. Affected: yes.
Comment: The c.5302A>T(p.Asn1768Tyr) missense variant in SETX gene has not been reported previously as a pathogenic variant nor as a benign variant, to our knowledge. The p.Asn1768Tyr variant is reported with the allele frequency (0.001%) in the gnomAD Exomes and is novel (not in any individuals) in 1000 Genomes. The amino acid Asn at position 1768 is changed to a Tyr changing protein sequence and it might alter its composition and physico-chemical properties. In silico tools predict the variant to be tolerated. The residue is conserved across species. The amino acid change p.Asn1768Tyr in SETX is predicted as conserved by GERP++ and PhyloP across 100 vertebrates. For these reasons, this variant has been classified as Variant of Uncertain Significance (VUS).

NM_015046.7(SETX):c.5302A>T (p.Asn1768Tyr)

Gene: SETX (senataxin; minus strand). Cytogenetic location: 9q34.13.
Variant type: single nucleotide variant.
Coding change: c.5302A>T on transcript NM_015046.7 (MANE Select); coding-DNA position 5302, A replaced by T.
Protein change: p.Asn1768Tyr; replaces asparagine 1768 with tyrosine.
Molecular consequence: missense variant.
Genome position (GRCh38, 1-based): chr9:132,311,829, T>A on the plus strand (A>T on the coding strand, the complement: SETX is on the minus strand). VCF-style: chr9-132311829-T-A. GRCh37 (hg19) VCF-style: chr9-135187216-T-A.
Other names: c.5302A>T, p.Asn1768Tyr (NM_001351527.2, NM_001351528.2); short protein forms N1768Y.
Identifiers: ClinVar variation 1418659 (VCV001418659.8), dbSNP rs766799310, ClinGen allele CA5297020.